The following is an entry in ClinVar:

NM_014908.4(DOLK):c.758G>C (p.Trp253Ser)

Gene: DOLK (dolichol kinase; minus strand). Cytogenetic location: 9q34.11.
Variant type: single nucleotide variant.
Coding change: c.758G>C on transcript NM_014908.4 (MANE Select); coding-DNA position 758, G replaced by C.
Protein change: p.Trp253Ser; replaces tryptophan 253 with serine.
Molecular consequence: missense variant.
Genome position (GRCh38, 1-based): chr9:128,946,546, C>G on the plus strand (G>C on the coding strand, the complement: DOLK is on the minus strand). VCF-style: chr9-128946546-C-G. GRCh37 (hg19) VCF-style: chr9-131708825-C-G.
Other names: short protein forms W253S.
Identifiers: ClinVar variation 1051431 (VCV001051431.9), dbSNP rs2131128090, ClinGen allele CA375123067.

ClinVar aggregate classification (germline): Uncertain significance (1 of 4 stars; one submission).

Conditions:
DK1-congenital disorder of glycosylation. Also called: DK1 DEFICIENCY; DOLICHOL KINASE DEFICIENCY; DOLK-congenital disorder of glycosylation; Carbohydrate deficient glycoprotein syndrome type 1m; CONGENITAL DISORDER OF GLYCOSYLATION, TYPE Im; CDG Im. Identifiers: Orphanet 91131, MedGen C1835849, MONDO:0012556, OMIM 610768.

Submission:

Labcorp Genetics (formerly Invitae), Labcorp
Classification: Uncertain significance for DK1-congenital disorder of glycosylation. Last evaluated: 2020-07-15. Review status: criteria provided, single submitter. Criteria: Invitae Variant Classification Sherloc (09022015). Collection method: clinical testing. Allele origin: germline.
Comment: In summary, the available evidence is currently insufficient to determine the role of this variant in disease. Therefore, it has been classified as a Variant of Uncertain Significance. Algorithms developed to predict the effect of missense changes on protein structure and function are either unavailable or do not agree on the potential impact of this missense change (SIFT: "Deleterious"; PolyPhen-2: "Possibly Damaging"; Align-GVGD: "Class C0"). This variant has not been reported in the literature in individuals with DOLK-related conditions. This variant is not present in population databases (ExAC no frequency). This sequence change replaces tryptophan with serine at codon 253 of the DOLK protein (p.Trp253Ser). The tryptophan residue is moderately conserved and there is a large physicochemical difference between tryptophan and serine.